The following is an entry in ClinVar:

ClinVar aggregate classification (germline): Conflicting classifications of pathogenicity. Review status: criteria provided, conflicting classifications (1 of 4 stars). 3 submissions from 3 submitters: Likely pathogenic (1); Uncertain significance (2). Last evaluated 2026-06-30.

Conditions:
Familial melanoma. Also called: Hereditary melanoma; Hereditary cutaneous melanoma. Identifiers: Orphanet 618, MedGen C1512419, MONDO:0018961.
Melanoma-pancreatic cancer syndrome. Identifiers: Orphanet 404560, MedGen C1838547, MONDO:0011713, OMIM 606719. Disease mechanism: loss of function.
Hereditary cancer-predisposing syndrome. Also called: Neoplastic Syndromes, Hereditary; Tumor predisposition; Hereditary Cancer Syndrome; Hereditary neoplastic syndrome. Identifiers: Orphanet 140162, MedGen C0027672, MeSH D009386, MONDO:0015356.

Submissions (3):

Ambry Genetics
Classification: Uncertain significance for Hereditary cancer-predisposing syndrome. Last evaluated: 2026-06-30. Review status: criteria provided, single submitter. Criteria: Ambry Variant Classification Scheme 2023. Collection method: clinical testing. Allele origin: germline.
Comment: The p.M1? variant (also known as c.3G>C) is located in coding exon 1 of the CDKN2A (p14ARF) gene and results from an A to G substitution at nucleotide position three. This variant alters the methionine residue at the initiation codon (ATG). Variations that modify the initiation codon (ATG) are expected to result in either loss of translation initiation, N-terminal truncation, or cause a shift in the mRNA reading frame. However, loss of function has not been established as a mechanism of disease for the p14 isoform of CDKN2A. Based on the available evidence, the clinical significance of this variant remains unclear.

Myriad Genetics, Inc.
Classification: Likely pathogenic for Melanoma-pancreatic cancer syndrome. Last evaluated: 2025-08-12. Review status: criteria provided, single submitter. Criteria: Myriad Autosomal Dominant, Autosomal Recessive and X-Linked Classification Criteria (2023). Collection method: clinical testing. Allele origin: unknown.
Comment: This variant is considered likely pathogenic. This variant is located within the gene translation start codon (p.Met1?) and is predicted to result in abnormal protein translation.

Labcorp Genetics (formerly Invitae), Labcorp
Classification: Uncertain significance for Familial melanoma. Last evaluated: 2021-08-12. Review status: criteria provided, single submitter. Criteria: Invitae Variant Classification Sherloc (09022015). Collection method: clinical testing. Allele origin: germline.

NM_058195.4(CDKN2A):c.3G>C (p.Met1Ile)

Gene: CDKN2A (cyclin dependent kinase inhibitor 2A; minus strand). Cytogenetic location: 9p21.3.
Variant type: single nucleotide variant.
Coding change: c.3G>C on transcript NM_058195.4 (MANE Plus Clinical); coding-DNA position 3, G replaced by C.
Protein change: p.Met1Ile; changes the start codon (methionine 1).
Molecular consequence: missense variant, initiator codon variant. On other transcripts: intron variant (1).
Genome position (GRCh38, 1-based): chr9:21,994,329, C>G on the plus strand (G>C on the coding strand, the complement: CDKN2A is on the minus strand). VCF-style: chr9-21994329-C-G. GRCh37 (hg19) VCF-style: chr9-21994328-C-G.
Other names: c.-4+492G>C (NM_001363763.2); short protein forms M1I.
Identifiers: ClinVar variation 1018474 (VCV001018474.8), dbSNP rs1820538211, ClinGen allele CA373087134.